The following is an entry in ClinVar:

NM_000313.4(PROS1):c.1063C>T (p.Arg355Cys)

Gene: PROS1 (protein S; minus strand). Cytogenetic location: 3q11.1.
Variant type: single nucleotide variant.
Coding change: c.1063C>T on transcript NM_000313.4 (MANE Select); coding-DNA position 1063, C replaced by T.
Protein change: p.Arg355Cys; replaces arginine 355 with cysteine.
Molecular consequence: missense variant.
Genome position (GRCh38, 1-based): chr3:93,893,025, G>A on the plus strand (C>T on the coding strand, the complement: PROS1 is on the minus strand). VCF-style: chr3-93893025-G-A. GRCh37 (hg19) VCF-style: chr3-93611869-G-A.
Other names: c.1159C>T, p.Arg387Cys (NM_001314077.2); short protein forms R355C, R387C.
Identifiers: ClinVar variation 29846 (VCV000029846.11), dbSNP rs387906674, ClinGen allele CA128688.

ClinVar aggregate classification (germline): Pathogenic/Likely pathogenic. Review status: criteria provided, multiple submitters, no conflicts (2 of 4 stars). 6 submissions from 6 submitters: Pathogenic (3); Likely pathogenic (1). 2 of the submissions do not count toward it. Last evaluated 2025-12-08.

Conditions:
Thrombophilia due to protein S deficiency, autosomal recessive (THPH6). Identifiers: Orphanet 743, MedGen C3281092, MONDO:0013791, OMIM 614514. Disease mechanism: loss of function.
Thrombophilia due to protein S deficiency, autosomal dominant (THPH5). Identifiers: Orphanet 26349, Orphanet 743, MedGen C3278211, MONDO:0012868, OMIM 612336. Disease mechanism: loss of function.

Allele frequency attached by ClinVar (database versions not stated): gnomAD exomes 0.00002 and below 0.00001; ExAC 0.00003.
gnomAD v4.1: 6 of 1,613,760 alleles (0.00037%); highest among the groups gnomAD compares: East Asian, 0.0067%; no homozygotes.

Submissions (6):

Labcorp Genetics (formerly Invitae), Labcorp
Classification: Pathogenic for Thrombophilia due to protein S deficiency, autosomal recessive. Last evaluated: 2025-12-08. Review status: criteria provided, single submitter. Criteria: Invitae Variant Classification Sherloc (09022015). Collection method: clinical testing. Allele origin: germline.
Comment: This sequence change replaces arginine, which is basic and polar, with cysteine, which is neutral and slightly polar, at codon 355 of the PROS1 protein (p.Arg355Cys). This variant is present in population databases (rs387906674, gnomAD 0.01%). This missense change has been observed in individuals with protein S deficiency (PMID: 21172841, 21486865, 21764702, 27667277, 27748013, 29748776). It has also been observed to segregate with disease in related individuals. This variant is also known as p.Arg314Cys. ClinVar contains an entry for this variant (Variation ID: 29846). Invitae Evidence Modeling of protein sequence and biophysical properties (such as structural, functional, and spatial information, amino acid conservation, physicochemical variation, residue mobility, and thermodynamic stability) has been performed for this missense variant. However, the output from this modeling did not meet the statistical confidence thresholds required to predict the impact of this variant on PROS1 protein function. This variant disrupts the p.Arg355 amino acid residue in PROS1. Other variant(s) that disrupt this residue have been observed in individuals with PROS1-related conditions (PMID: 15238143), which suggests that this may be a clinically significant amino acid residue. For these reasons, this variant has been classified as Pathogenic.

First Genomix Gene Laboratory, Genetic Diagnostics Department
Classification: Pathogenic for Thrombophilia due to protein S deficiency, autosomal recessive. Last evaluated: 2025-05-19. Review status: criteria provided, single submitter. Criteria: ACMG Guidelines, 2015. Collection method: clinical testing. Allele origin: germline. Inheritance: Autosomal recessive inheritance. Affected: no. Observed: 1 variant allele.

3billion
Classification: Likely pathogenic for Thrombophilia due to protein S deficiency, autosomal dominant. Last evaluated: 2022-03-22. Review status: criteria provided, single submitter. Criteria: ACMG Guidelines, 2015. Collection method: clinical testing. Allele origin: germline. Affected: yes. Observed: 1 heterozygote.
Comment: Same nucleotide change resulting in same amino acid change has been previously reported to be associated with PROS1 related disorder (ClinVar ID: VCV000029846, PMID:21172841). A different missense change at the same codon has been reported as pathogenic/likely pathogenic with strong evidence (ClinVar ID: VCV000956390, PMID:15238143). In silico tool predictions suggest damaging effect of the variant on gene or gene product (REVEL: 0.826>=0.6). The variant is observed at an extremely low frequency in the gnomAD v2.1.1 dataset (total allele frequency: 0.0000199). Therefore, this variant is classified as likely pathogenic according to the recommendation of ACMG/AMP guideline.

Juno Genomics, Hangzhou Juno Genomics, Inc
Classification: Pathogenic for Thrombophilia due to protein S deficiency, autosomal dominant; Thrombophilia due to protein S deficiency, autosomal recessive. Review status: criteria provided, single submitter. Criteria: ACMG Guidelines, 2015. Collection method: clinical testing. Allele origin: germline.
Comment: Absent from controls (or at extremely low frequency if recessive) in Genome Aggregation Database.;The prevalence of the variant in affected individuals is significantly increased compared to the prevalence in controls.;Co-segregation with disease in multiple affected family members.;Patient's phenotype or family history is highly specific for a disease with a single genetic etiology.

Department of Transfusion Medicine and Hemostaseology, University Hospital Erlangen
Classification: Likely pathogenic for Thrombophilia due to protein S deficiency, autosomal dominant. Last evaluated: 2025-09-01. Review status: no assertion criteria provided. Collection method: clinical testing. Allele origin: germline. Not counted in ClinVar's aggregate classification.
Comment: This variant was identified during a screening of patients with suspected hereditary Protein S deficiency. It has been repeatedly described in the literature as correlating with protein S deficiency (PMID: 21172841, 21486865, 27748013), but has not been characterized in vitro. According to dbSNP it represents a very rare genetic alteration, previously detected in the European population in heterozygous state only according to the Allele Frequency Aggregator dataset. While PolyPhen-2 and SIFT classify this variant as likely pathogenic, it is classified as of uncertain significance by AlphaMissense. Taken together, we classified this variant as likely pathogenic.

OMIM
Classification: Pathogenic for THROMBOPHILIA DUE TO PROTEIN S DEFICIENCY, AUTOSOMAL DOMINANT. Last evaluated: 2010-12-14. Review status: no assertion criteria provided. Collection method: literature only. Allele origin: germline. Not counted in ClinVar's aggregate classification.

Literature cited by the submitters: PubMed 21172841 (cited by 4 submitters); PubMed 21486865 (cited by Labcorp Genetics (formerly Invitae), Labcorp and Department of Transfusion Medicine and Hemostaseology, University Hospital Erlangen); PubMed 21764702 (cited by Labcorp Genetics (formerly Invitae), Labcorp); PubMed 27667277 (cited by Labcorp Genetics (formerly Invitae), Labcorp); PubMed 27748013 (cited by Labcorp Genetics (formerly Invitae), Labcorp and Department of Transfusion Medicine and Hemostaseology, University Hospital Erlangen); PubMed 29748776 (cited by Labcorp Genetics (formerly Invitae), Labcorp); PubMed 15238143 (cited by Labcorp Genetics (formerly Invitae), Labcorp and 3billion).